The following is an entry in ClinVar:

ClinVar aggregate classification (germline): Pathogenic. Review status: criteria provided, multiple submitters, no conflicts (2 of 4 stars). 3 submissions from 3 submitters: Pathogenic (3). Last evaluated 2024-09-19.

Conditions:
Wilson disease (WND). Also called: Wilson's disease. Identifiers: Orphanet 905, MedGen C0019202, MONDO:0010200, OMIM 277900. Disease mechanism: loss of function.

Allele frequency attached by ClinVar (database versions not stated): gnomAD exomes below 0.00001.

Submissions (3):

Dasa
Classification: Pathogenic. Last evaluated: 2024-09-19. Review status: criteria provided, single submitter. Criteria: DASA Assertion Criteria. Collection method: clinical testing. Allele origin: germline.
Comment: NM_000053.4(ATP7B):c.3772A>T (p.Lys1258*) introduces a premature termination codon predicted to result in loss of normal protein function. Loss-of-function is an established mechanism of disease for this gene. Based on the available data, this variant is classified as pathogenic.

Laboratorio de Genetica e Diagnostico Molecular, Hospital Israelita Albert Einstein
Classification: Pathogenic for Wilson disease. Last evaluated: 2024-05-16. Review status: criteria provided, single submitter. Criteria: ACMG Guidelines, 2015. Collection method: clinical testing. Allele origin: germline. Affected: yes.
Comment: ACMG classification criteria: PVS1 very strong, PM2 supporting, PM3 supporting

Labcorp Genetics (formerly Invitae), Labcorp
Classification: Pathogenic for Wilson disease. Last evaluated: 2022-03-28. Review status: criteria provided, single submitter. Criteria: Invitae Variant Classification Sherloc (09022015). Collection method: clinical testing. Allele origin: germline.
Comment: This sequence change creates a premature translational stop signal (p.Lys1258*) in the ATP7B gene. It is expected to result in an absent or disrupted protein product. Loss-of-function variants in ATP7B are known to be pathogenic (PMID: 10441329, 16283883). This variant is not present in population databases (gnomAD no frequency). This premature translational stop signal has been observed in individual(s) with Wilson disease (PMID: 15024742). For these reasons, this variant has been classified as Pathogenic.

Literature cited by the submitters: PubMed 10441329 (cited by Labcorp Genetics (formerly Invitae), Labcorp); PubMed 16283883 (cited by Labcorp Genetics (formerly Invitae), Labcorp); PubMed 15024742 (cited by Labcorp Genetics (formerly Invitae), Labcorp).

NM_000053.4(ATP7B):c.3772A>T (p.Lys1258Ter)

Gene: ATP7B (ATPase copper transporting beta; minus strand). Cytogenetic location: 13q14.3.
Variant type: single nucleotide variant.
Coding change: c.3772A>T on transcript NM_000053.4 (MANE Select); coding-DNA position 3772, A replaced by T.
Protein change: p.Lys1258Ter; replaces lysine 1258 with a stop codon.
Molecular consequence: nonsense.
Genome position (GRCh38, 1-based): chr13:51,937,607, T>A on the plus strand (A>T on the coding strand, the complement: ATP7B is on the minus strand). VCF-style: chr13-51937607-T-A. GRCh37 (hg19) VCF-style: chr13-52511743-T-A.
Other names: c.3151A>T, p.Lys1051Ter (NM_001005918.3); c.3439A>T, p.Lys1147Ter (NM_001243182.2); c.3538A>T, p.Lys1180Ter (NM_001330578.2); c.3520A>T, p.Lys1174Ter (NM_001330579.2); short protein forms K1051*, K1147*, K1180*, K1174*, K1258*.
Identifiers: ClinVar variation 1417715 (VCV001417715.8), dbSNP rs1566444909, ClinGen allele CA388022165.
Genomic context (GRCh38, chr13:51,937,607, plus strand): 5'-CCTGGGCCAAGGCCGGGGAGTCATTGACCCCATCCCCCACCATGGCGACTTTCTTCCCTT[T>A]ATTCTGGAGCTCCTGGACCTTGGCCACCTTGTGCGAAGGCAGCACCTCTGCAAAGACTTT-3'